The following is an entry in ClinVar:

ClinVar aggregate classification (germline): Pathogenic/Likely pathogenic. Review status: criteria provided, multiple submitters, no conflicts (2 of 4 stars). 6 submissions from 6 submitters: Pathogenic (5); Likely pathogenic (1). Last evaluated 2025-02-20.

Conditions:
PRPF31-related disorder. Also called: PRPF31-related condition.
Retinitis pigmentosa (RP). Identifiers: Orphanet 791, MedGen C0035334, MeSH D012174, MONDO:0019200, OMIM 268000. Inheritance: Autosomal dominant, autosomal recessive and X linked inheritance.
Retinitis pigmentosa 11 (RP11). Identifiers: Orphanet 791, MedGen C1838601, MONDO:0010828, OMIM 600138.

Submissions (6):

Dasa
Classification: Pathogenic. Last evaluated: 2025-02-20. Review status: criteria provided, single submitter. Criteria: DASA Assertion Criteria. Collection method: clinical testing. Allele origin: germline.
Comment: NM_015629.4(PRPF31):c.992G>A (p.Trp331*) introduces a premature termination codon predicted to result in loss of normal protein function. Loss-of-function is an established mechanism of disease for this gene. This variant has been reported in individuals with related phenotype (PMID: 32014492). The variant is present at low frequency in population datasets. Based on the available data, this variant is classified as pathogenic.

Labcorp Genetics (formerly Invitae), Labcorp
Classification: Pathogenic. Last evaluated: 2023-08-04. Review status: criteria provided, single submitter. Criteria: Invitae Variant Classification Sherloc (09022015). Collection method: clinical testing. Allele origin: germline.
Comment: ClinVar contains an entry for this variant (Variation ID: 546035). This sequence change creates a premature translational stop signal (p.Trp331*) in the PRPF31 gene. It is expected to result in an absent or disrupted protein product. Loss-of-function variants in PRPF31 are known to be pathogenic (PMID: 18317597, 23950152). This variant is not present in population databases (gnomAD no frequency). This variant has not been reported in the literature in individuals affected with PRPF31-related conditions. For these reasons, this variant has been classified as Pathogenic.

Blueprint Genetics
Classification: Pathogenic for PRPF31-related disorders. Last evaluated: 2022-09-08. Review status: criteria provided, single submitter. Criteria: ACMG Guidelines, 2015. Collection method: clinical testing. Allele origin: germline. Affected: yes. Observed: 2 variant alleles.

Ocular Genomics Institute, Massachusetts Eye and Ear
Classification: Likely pathogenic for Retinitis pigmentosa 11. Last evaluated: 2021-04-08. Review status: criteria provided, single submitter. Criteria: ACMG Guidelines, 2015. Collection method: research. Allele origin: germline. Affected: yes.
Comment: Through a review of available evidence we were able to apply the following criteria: PVS1, PM2. Based on this evidence we have classified this variant as Likely Pathogenic.

Mendelics
Classification: Pathogenic for Retinitis pigmentosa. Last evaluated: 2019-05-28. Review status: criteria provided, single submitter. Criteria: Mendelics Assertion Criteria 2017. Collection method: clinical testing. Allele origin: unknown.

GeneDx
Classification: Pathogenic. Last evaluated: 2018-05-07. Review status: criteria provided, single submitter. Criteria: GeneDx Variant Classification (06012015). Collection method: clinical testing. Allele origin: germline. Affected: yes.
Comment: The W331X variant in the PRPF31 gene has not been reported previously as a pathogenic variant nor as a benign variant, to our knowledge. This variant is predicted to cause loss of normal protein function either through protein truncation or nonsense-mediated mRNA decay. The W331X variant is not observed in large population cohorts (Lek et al., 2016). We interpret W331X as a pathogenic variant.

Literature cited by the submitters: PubMed 32014492 (cited by Dasa); PubMed 18317597 (cited by Labcorp Genetics (formerly Invitae), Labcorp); PubMed 23950152 (cited by Labcorp Genetics (formerly Invitae), Labcorp).

NM_015629.4(PRPF31):c.992G>A (p.Trp331Ter)

Gene: PRPF31 (pre-mRNA processing factor 31; plus strand). Cytogenetic location: 19q13.42.
Variant type: single nucleotide variant.
Coding change: c.992G>A on transcript NM_015629.4 (MANE Select); coding-DNA position 992, G replaced by A.
Protein change: p.Trp331Ter; replaces tryptophan 331 with a stop codon.
Molecular consequence: nonsense.
Genome position (GRCh38, 1-based): chr19:54,128,119, G>A. VCF-style: chr19-54128119-G-A. GRCh37 (hg19) VCF-style: chr19-54631494-G-A.
Other names: short protein forms W331*.
Identifiers: ClinVar variation 546035 (VCV000546035.12), dbSNP rs1555794205, ClinGen allele CA407753046.
Genomic context (GRCh38, chr19:54,128,119, plus strand): 5'-CTCGCCCTCCCCAGGTGGGCTACGAACTGAAGGATGAGATCGAGCGCAAATTCGACAAGT[G>A]GCAGGAGCCGCCGCCTGTGAAGCAGGTGAAGCCGCTGCCTGCGCCCCTGGATGGACAGCG-3'